The following is an entry in ClinVar:

NM_000601.6(HGF):c.1272-5_1272-4inv

Gene: HGF (hepatocyte growth factor; minus strand). Cytogenetic location: 7q21.11.
Variant type: Inversion.
Coding change: c.1272-5_1272-4inv on transcript NM_000601.6 (MANE Select).
Molecular consequence: intron variant.
Genome position: GRCh38 VCF-style: chr7-81717369-TG-CA. GRCh37 (hg19) VCF-style: chr7-81346685-TG-CA.
Other names: c.1257-5_1257-4inv (NM_001010932.3).
Identifiers: ClinVar variation 2417238 (VCV002417238.6), ClinGen allele CA2580077378.

ClinVar aggregate classification (germline): Uncertain significance (1 of 4 stars; one submission).

Submission:

Labcorp Genetics (formerly Invitae), Labcorp
Classification: Uncertain significance. Last evaluated: 2022-06-17. Review status: criteria provided, single submitter. Criteria: Invitae Variant Classification Sherloc (09022015). Collection method: clinical testing. Allele origin: germline.
Comment: In summary, the available evidence is currently insufficient to determine the role of this variant in disease. Therefore, it has been classified as a Variant of Uncertain Significance. Experimental studies and prediction algorithms are not available or were not evaluated, and the effect of this variant on mRNA splicing is currently unknown. This variant has not been reported in the literature in individuals affected with HGF-related conditions. Information on the frequency of this variant in the gnomAD database is not available, as this variant may be reported differently in the database. This sequence change falls in intron 10 of the HGF gene. It does not directly change the encoded amino acid sequence of the HGF protein.